The following is an entry in ClinVar:

NC_000014.9:g.49635364G>C

Gene: DNAAF2 (dynein axonemal assembly factor 2; minus strand). Cytogenetic location: 14q21.3.
Variant type: single nucleotide variant.
Genome position: GRCh38 VCF-style: chr14-49635364-G-C. GRCh37 (hg19) VCF-style: chr14-50102082-G-C.
Identifiers: ClinVar variation 1706942 (VCV001706942.3), dbSNP rs111820056, ClinGen allele CA260670721.
Genomic context (GRCh38, chr14:49,635,364, plus strand): 5'-TAGTTACACCACTAACATTCGGGAGGAGGGGTAGAGATCATGGTGGAATAGGCCGGGCGC[G>C]GTGGCTCAGGCCTGTAATCCCAGCACTTTGGGAAGCCTAGGCGGGCGGATCACGAGGTCA-3'

ClinVar aggregate classification (germline): Likely benign (1 of 4 stars; one submission).

Allele frequency attached by ClinVar (database versions not stated): 1000 Genomes Project 30x 0.00297; 1000 Genomes Project 0.00319; gnomAD 0.00599; TOPMed 0.00618.

Submission:

GeneDx
Classification: Likely benign. Last evaluated: 2020-11-08. Review status: criteria provided, single submitter. Criteria: GeneDx Variant Classification Process June 2021. Collection method: clinical testing. Allele origin: germline. Affected: yes.
Comment: See Variant Classification Assertion Criteria.